The following is an entry in ClinVar:

NM_000260.4(MYO7A):c.4334C>A (p.Ala1445Asp)

Gene: MYO7A (myosin VIIA; plus strand). Cytogenetic location: 11q13.5.
Variant type: single nucleotide variant.
Coding change: c.4334C>A on transcript NM_000260.4 (MANE Select); coding-DNA position 4334, C replaced by A.
Protein change: p.Ala1445Asp; replaces alanine 1445 with aspartic acid.
Molecular consequence: missense variant.
Genome position (GRCh38, 1-based): chr11:77,197,491, C>A. VCF-style: chr11-77197491-C-A. GRCh37 (hg19) VCF-style: chr11-76908536-C-A.
Other names: c.4334C>A, p.Ala1445Asp (NM_001127180.2); c.4301C>A, p.Ala1434Asp (NM_001369365.1); short protein forms A1434D, A1445D.
Identifiers: ClinVar variation 2074413 (VCV002074413.1), dbSNP rs768022780, ClinGen allele CA6198423.

ClinVar aggregate classification (germline): Uncertain significance (1 of 4 stars; one submission).

Allele frequency attached by ClinVar (database versions not stated): TOPMed below 0.00001; ExAC 0.00002.
gnomAD v4.1: 29 of 1,597,824 alleles (0.0018%); highest among the groups gnomAD compares: East Asian, 0.063%; no homozygotes.

Submission:

Labcorp Genetics (formerly Invitae), Labcorp
Classification: Uncertain significance. Last evaluated: 2022-09-06. Review status: criteria provided, single submitter. Criteria: Invitae Variant Classification Sherloc (09022015). Collection method: clinical testing. Allele origin: germline.
Comment: This sequence change replaces alanine, which is neutral and non-polar, with aspartic acid, which is acidic and polar, at codon 1445 of the MYO7A protein (p.Ala1445Asp). The frequency data for this variant in the population databases is considered unreliable, as metrics indicate poor data quality at this position in the gnomAD database. This variant has not been reported in the literature in individuals affected with MYO7A-related conditions. Advanced modeling of protein sequence and biophysical properties (such as structural, functional, and spatial information, amino acid conservation, physicochemical variation, residue mobility, and thermodynamic stability) performed at Invitae indicates that this missense variant is not expected to disrupt MYO7A protein function. In summary, the available evidence is currently insufficient to determine the role of this variant in disease. Therefore, it has been classified as a Variant of Uncertain Significance.